The following is an entry in ClinVar:

NM_000057.4(BLM):c.3114A>T (p.Arg1038Ser)

Gene: BLM (BLM RecQ like helicase; plus strand). Cytogenetic location: 15q26.1.
Variant type: single nucleotide variant.
Coding change: c.3114A>T on transcript NM_000057.4 (MANE Select); coding-DNA position 3114, A replaced by T.
Protein change: p.Arg1038Ser; replaces arginine 1038 with serine.
Molecular consequence: missense variant.
Genome position (GRCh38, 1-based): chr15:90,794,261, A>T. VCF-style: chr15-90794261-A-T. GRCh37 (hg19) VCF-style: chr15-91337491-A-T.
Other names: c.3114A>T, p.Arg1038Ser (NM_001287246.2, NM_001287247.2); c.1989A>T, p.Arg663Ser (NM_001287248.2); short protein forms R663S, R1038S.
Identifiers: ClinVar variation 1727783 (VCV001727783.2), dbSNP rs1896976226, ClinGen allele CA393846864.
Genomic context (GRCh38, chr15:90,794,261, plus strand): 5'-TCACTTCAATAATTTGTATAGCATGGTACATTACTGTGAAAATATAACGGAATGCAGGAG[A>T]ATACAGCTTTTGGCCTACTTTGGTGAAAATGGATTTAATCCTGATTTTTGTAAGAAACAC-3'
Protein context (NP_000048.1, residues 1028-1048): HYCENITECR[Arg1038Ser]IQLLAYFGEN

ClinVar aggregate classification (germline): Uncertain significance (1 of 4 stars; one submission).

Conditions:
Hereditary cancer-predisposing syndrome. Also called: Tumor predisposition; Neoplastic Syndromes, Hereditary; Hereditary Cancer Syndrome; Hereditary neoplastic syndrome. Identifiers: Orphanet 140162, MedGen C0027672, MeSH D009386, MONDO:0015356.

Submission:

Ambry Genetics
Classification: Uncertain significance for Hereditary cancer-predisposing syndrome. Last evaluated: 2021-10-19. Review status: criteria provided, single submitter. Criteria: Ambry Variant Classification Scheme 2023. Collection method: clinical testing. Allele origin: germline.
Comment: The p.R1038S variant (also known as c.3114A>T), located in coding exon 15 of the BLM gene, results from an A to T substitution at nucleotide position 3114. The arginine at codon 1038 is replaced by serine, an amino acid with dissimilar properties. This amino acid position is conserved. In addition, this alteration is predicted to be deleterious by in silico analysis. Since supporting evidence is limited at this time, the clinical significance of this alteration remains unclear.